The following is an entry in ClinVar:

NM_001379500.1(COL18A1):c.745G>A (p.Gly249Arg)

Gene: COL18A1 (collagen type XVIII alpha 1 chain; plus strand). Cytogenetic location: 21q22.3.
Variant type: single nucleotide variant.
Coding change: c.745G>A on transcript NM_001379500.1 (MANE Select); coding-DNA position 745, G replaced by A.
Protein change: p.Gly249Arg; replaces glycine 249 with arginine.
Molecular consequence: missense variant.
Genome position (GRCh38, 1-based): chr21:45,475,482, G>A. VCF-style: chr21-45475482-G-A. GRCh37 (hg19) VCF-style: chr21-46895396-G-A.
Other names: c.1285G>A (NM_030582.3); c.1285G>A, p.Gly429Arg (NM_030582.4); c.1990G>A, p.Gly664Arg (NM_130444.3); short protein forms G249R, G429R, G664R.
Identifiers: ClinVar variation 1391656 (VCV001391656.7), dbSNP rs763704721, ClinGen allele CA10065875.

ClinVar aggregate classification (germline): Uncertain significance. Review status: criteria provided, multiple submitters, no conflicts (2 of 4 stars). 2 submissions from 2 submitters: Uncertain significance (2). Last evaluated 2025-07-07.

Conditions:
COL18A1-related disorder. Also called: COL18A1-related disorders; COL18A1-related condition.

Allele frequency attached by ClinVar (database versions not stated): gnomAD exomes below 0.00001; gnomAD 0.00001; ExAC 0.00002.
gnomAD v4.1: 5 of 1,603,742 alleles (0.00031%); highest among the groups gnomAD compares: East Asian, 0.0022%; no homozygotes.

Submissions (2):

Labcorp Genetics (formerly Invitae), Labcorp
Classification: Uncertain significance. Last evaluated: 2025-07-07. Review status: criteria provided, single submitter. Criteria: Invitae Variant Classification Sherloc (09022015). Collection method: clinical testing. Allele origin: germline.
Comment: This sequence change replaces glycine, which is neutral and non-polar, with arginine, which is basic and polar, at codon 249 of the COL18A1 protein (p.Gly249Arg). The frequency data for this variant in the population databases is considered unreliable, as metrics indicate poor data quality at this position in the gnomAD database. This variant has not been reported in the literature in individuals affected with COL18A1-related conditions. ClinVar contains an entry for this variant (Variation ID: 1391656). Experimental studies and prediction algorithms are not available or were not evaluated, and the functional significance of this variant is currently unknown. In summary, the available evidence is currently insufficient to determine the role of this variant in disease. Therefore, it has been classified as a Variant of Uncertain Significance.

PreventionGenetics, part of Exact Sciences
Classification: Uncertain significance for COL18A1-related condition. Last evaluated: 2025-01-15. Review status: criteria provided, single submitter. Criteria: ACMG Guidelines, 2015. Collection method: clinical testing. Allele origin: germline.
Comment: The COL18A1 c.1285G>A variant is predicted to result in the amino acid substitution p.Gly429Arg. To our knowledge, this variant has not been reported in the literature. This variant is reported in 0.0073% of alleles in individuals of African descent in gnomAD. At this time, the clinical significance of this variant is uncertain due to the absence of conclusive functional and genetic evidence.